The following is an entry in ClinVar:

ClinVar aggregate classification (germline): Uncertain significance. Review status: criteria provided, multiple submitters, no conflicts (2 of 4 stars). 3 submissions from 3 submitters: Uncertain significance (3). Last evaluated 2025-11-22.

Conditions:
Geleophysic dysplasia 2 (GPHYSD2). Identifiers: Orphanet 2623, MedGen C3280054, MONDO:0013612, OMIM 614185.
Marfan syndrome (MFS). Also called: MARFAN SYNDROME, TYPE I; Marfan syndrome type 1; Marfan's syndrome; Marfan syndrome, classic; FBN1-Related Marfan Syndrome. Identifiers: Orphanet 284963, Orphanet 558, MedGen C0024796, MONDO:0007947, OMIM 154700.
Ectopia lentis 1, isolated, autosomal dominant (ECTOL1). Identifiers: Orphanet 1885, MedGen C3541518, MONDO:0007514, OMIM 129600.
Stiff skin syndrome (SSKS). Identifiers: Orphanet 2833, MedGen C1861456, MONDO:0008492, OMIM 184900.
Progeroid and marfanoid aspect-lipodystrophy syndrome. Also called: MARFANOID-PROGEROID SYNDROME; MARFAN-PROGEROID-LIPODYSTROPHY SYNDROME; Marfan lipodystrophy syndrome; MARFANOID-PROGEROID-LIPODYSTROPHY SYNDROME. Identifiers: Orphanet 300382, MedGen C4310796, MONDO:0014831, OMIM 616914.
MASS syndrome (OCTD). Also called: MASS PHENOTYPE; OVERLAP CONNECTIVE TISSUE DISEASE. Identifiers: MedGen C1858556, MONDO:0011431, OMIM 604308.
Acromicric dysplasia (ACMICD). Also called: Acromicric skeletal dysplasia. Identifiers: Orphanet 969, MedGen C0265287, MONDO:0007055, OMIM 102370.
Weill-Marchesani syndrome 2, dominant. Also called: Weill-Marchesani Syndrome, Autosomal Dominant; FBN1-Related Weill-Marchesani Syndrome. Identifiers: Orphanet 2084, MedGen C1869115, MONDO:0012013, OMIM 608328.
Familial thoracic aortic aneurysm and aortic dissection (TAAD). Also called: Thoracic aortic aneurysms and dissections. Identifiers: Orphanet 91387, MedGen C4707243, MONDO:0019625.

Allele frequency attached by ClinVar (database versions not stated): gnomAD exomes below 0.00001; gnomAD 0.00001; TOPMed 0.00001.
gnomAD v4.1: 3 of 1,613,992 alleles (0.00019%); highest among the groups gnomAD compares: Non-Finnish European, 0.00017%; no homozygotes.

Submissions (3):

Labcorp Genetics (formerly Invitae), Labcorp
Classification: Uncertain significance for Marfan syndrome; Familial thoracic aortic aneurysm and aortic dissection. Last evaluated: 2025-11-22. Review status: criteria provided, single submitter. Criteria: Invitae Variant Classification Sherloc (09022015). Collection method: clinical testing. Allele origin: germline.
Comment: This sequence change replaces methionine, which is neutral and non-polar, with isoleucine, which is neutral and non-polar, at codon 99 of the FBN1 protein (p.Met99Ile). This variant is not present in population databases (gnomAD no frequency). This variant has not been reported in the literature in individuals affected with FBN1-related conditions. ClinVar contains an entry for this variant (Variation ID: 1211251). Invitae Evidence Modeling of protein sequence and biophysical properties (such as structural, functional, and spatial information, amino acid conservation, physicochemical variation, residue mobility, and thermodynamic stability) has been performed for this missense variant. However, the output from this modeling did not meet the statistical confidence thresholds required to predict the impact of this variant on FBN1 protein function. In summary, the available evidence is currently insufficient to determine the role of this variant in disease. Therefore, it has been classified as a Variant of Uncertain Significance.

Fulgent Genetics
Classification: Uncertain significance for Acromicric dysplasia; Ectopia lentis 1, isolated, autosomal dominant; Marfan syndrome; Stiff skin syndrome; MASS syndrome; Weill-Marchesani syndrome 2, dominant; Geleophysic dysplasia 2; Progeroid and marfanoid aspect-lipodystrophy syndrome. Last evaluated: 2021-12-06. Review status: criteria provided, single submitter. Criteria: ACMG Guidelines, 2015. Collection method: clinical testing. Allele origin: unknown.

GeneDx
Classification: Uncertain significance. Last evaluated: 2019-04-15. Review status: criteria provided, single submitter. Criteria: GeneDx Variant Classification Process June 2021. Collection method: clinical testing. Allele origin: germline. Affected: yes.
Comment: Not observed in large population cohorts (Lek et al., 2016); Does not affect a cysteine residue within a calcium-binding EGF-like domain of the FBN1 gene; cysteine substitutions in the calcium-binding EGF-like domains represent the majority of pathogenic missense changes associated with FBN1 related disorders (Collod-Beroud et al., 2003).; In silico analysis, which includes protein predictors and evolutionary conservation, supports that this variant does not alter protein structure/function; Has not been previously published as pathogenic or benign to our knowledge

NM_000138.5(FBN1):c.297G>A (p.Met99Ile)

Gene: FBN1 (fibrillin 1; minus strand). Cytogenetic location: 15q21.1.
Variant type: single nucleotide variant.
Coding change: c.297G>A on transcript NM_000138.5 (MANE Select); coding-DNA position 297, G replaced by A.
Protein change: p.Met99Ile; replaces methionine 99 with isoleucine.
Molecular consequence: missense variant.
Genome position (GRCh38, 1-based): chr15:48,610,777, C>T on the plus strand (G>A on the coding strand, the complement: FBN1 is on the minus strand). VCF-style: chr15-48610777-C-T. GRCh37 (hg19) VCF-style: chr15-48902974-C-T.
Other names: short protein forms M99I.
Identifiers: ClinVar variation 1211251 (VCV001211251.7), dbSNP rs1314594090, ClinGen allele CA392446996.